The following is an entry in ClinVar:

ClinVar aggregate classification (germline): Uncertain significance. Review status: criteria provided, multiple submitters, no conflicts (2 of 4 stars). 2 submissions from 2 submitters: Uncertain significance (2). Last evaluated 2024-09-08.

Conditions:
Primary dilated cardiomyopathy (DCM). Also called: Dilated Cardiomyopathy. Identifiers: Orphanet 217604, MedGen C0007193, MeSH D002311, MONDO:0005021, HP:0001644. Inheritance: Various modes of inheritance.

gnomAD v4.1: 2 of 1,613,568 alleles (0.00012%); highest among the groups gnomAD compares: Admixed American, 0.0017%; no homozygotes.

Submissions (2):

Labcorp Genetics (formerly Invitae), Labcorp
Classification: Uncertain significance for Primary dilated cardiomyopathy. Last evaluated: 2024-09-08. Review status: criteria provided, single submitter. Criteria: Invitae Variant Classification Sherloc (09022015). Collection method: clinical testing. Allele origin: germline.
Comment: This sequence change replaces serine, which is neutral and polar, with tyrosine, which is neutral and polar, at codon 100 of the NEBL protein (p.Ser100Tyr). This variant is not present in population databases (gnomAD no frequency). This variant has not been reported in the literature in individuals affected with NEBL-related conditions. ClinVar contains an entry for this variant (Variation ID: 1798609). An algorithm developed to predict the effect of missense changes on protein structure and function (PolyPhen-2) suggests that this variant is likely to be disruptive. In summary, the available evidence is currently insufficient to determine the role of this variant in disease. Therefore, it has been classified as a Variant of Uncertain Significance.

Ambry Genetics
Classification: Uncertain significance. Last evaluated: 2022-10-02. Review status: criteria provided, single submitter. Criteria: Ambry Variant Classification Scheme 2023. Collection method: clinical testing. Allele origin: germline.
Comment: The p.S100Y variant (also known as c.299C>A), located in coding exon 4 of the NEBL gene, results from a C to A substitution at nucleotide position 299. The serine at codon 100 is replaced by tyrosine, an amino acid with dissimilar properties. This amino acid position is conserved. In addition, this alteration is predicted to be tolerated by in silico analysis. Since supporting evidence is limited at this time, the clinical significance of this alteration remains unclear.

NM_006393.3(NEBL):c.299C>A (p.Ser100Tyr)

Gene: NEBL (nebulette; minus strand). Cytogenetic location: 10p12.31.
Variant type: single nucleotide variant.
Coding change: c.299C>A on transcript NM_006393.3 (MANE Select); coding-DNA position 299, C replaced by A.
Protein change: p.Ser100Tyr; replaces serine 100 with tyrosine.
Molecular consequence: missense variant. On other transcripts: intron variant (9).
Genome position (GRCh38, 1-based): chr10:20,888,167, G>T on the plus strand (C>A on the coding strand, the complement: NEBL is on the minus strand). VCF-style: chr10-20888167-G-T. GRCh37 (hg19) VCF-style: chr10-21177096-G-T.
Other names: c.249+73505C>A (NM_001377326.1, NM_001377327.1, NM_001377328.1); c.357+73505C>A (NM_213569.2, NM_001173484.2, NM_001377322.1); c.300+73505C>A (NM_001377324.1); c.291+73505C>A (NM_001377325.1); c.309+73505C>A (NM_001377323.1); short protein forms S100Y.
Identifiers: ClinVar variation 1798609 (VCV001798609.4), dbSNP rs1846693156, ClinGen allele CA376096233.